The following is an entry in ClinVar:

ClinVar aggregate classification (germline): Likely benign (1 of 4 stars; one submission).

Submission:

CeGaT Center for Human Genetics Tuebingen
Classification: Likely benign. Last evaluated: 2024-05-01. Review status: criteria provided, single submitter. Criteria: CeGaT Center For Human Genetics Tuebingen Variant Classification Criteria Version 2. Collection method: clinical testing. Allele origin: germline. Affected: yes. Observed: 2 variant alleles.
Comment: ASXL3: PM2:Supporting, BP4, BP7

NM_030632.3(ASXL3):c.4482A>C (p.Ser1494=)

Gene: ASXL3 (ASXL transcriptional regulator 3; plus strand). Cytogenetic location: 18q12.1.
Variant type: single nucleotide variant.
Coding change: c.4482A>C on transcript NM_030632.3 (MANE Select); coding-DNA position 4482, A replaced by C.
Protein change: p.Ser1494=; no amino-acid change (serine 1494 retained).
Molecular consequence: synonymous variant.
Genome position (GRCh38, 1-based): chr18:33,744,330, A>C. VCF-style: chr18-33744330-A-C. GRCh37 (hg19) VCF-style: chr18-31324294-A-C.
Identifiers: ClinVar variation 2648656 (VCV002648656.24), dbSNP rs2510928583, ClinGen allele CA503770438.